The following is an entry in ClinVar:

ClinVar aggregate classification (germline): Uncertain significance. Review status: criteria provided, multiple submitters, no conflicts (2 of 4 stars). 2 submissions from 2 submitters: Uncertain significance (2). Last evaluated 2025-10-02.

Conditions:
Inborn genetic diseases. Identifiers: MedGen C0950123, MeSH D030342.

Allele frequency attached by ClinVar (database versions not stated): gnomAD 0.00003 and 0.00001; ExAC 0.00012; gnomAD exomes 0.00011 and 0.00006; TOPMed 0.00001.
gnomAD v4.1: 95 of 1,613,992 alleles (0.0059%); highest among the groups gnomAD compares: South Asian, 0.08%; 1 homozygote.

Submissions (2):

Ambry Genetics
Classification: Uncertain significance for Inborn genetic diseases. Last evaluated: 2025-10-02. Review status: criteria provided, single submitter. Criteria: Ambry Variant Classification Scheme 2023. Collection method: clinical testing. Allele origin: germline.

Labcorp Genetics (formerly Invitae), Labcorp
Classification: Uncertain significance. Last evaluated: 2023-08-04. Review status: criteria provided, single submitter. Criteria: Invitae Variant Classification Sherloc (09022015). Collection method: clinical testing. Allele origin: germline.
Comment: In summary, the available evidence is currently insufficient to determine the role of this variant in disease. Therefore, it has been classified as a Variant of Uncertain Significance. Algorithms developed to predict the effect of missense changes on protein structure and function output the following: SIFT: "Not Available"; PolyPhen-2: "Benign"; Align-GVGD: "Not Available". The asparagine amino acid residue is found in multiple mammalian species, which suggests that this missense change does not adversely affect protein function. This sequence change replaces serine, which is neutral and polar, with asparagine, which is neutral and polar, at codon 817 of the AGBL5 protein (p.Ser817Asn). This variant is present in population databases (rs748444804, gnomAD 0.08%). This variant has not been reported in the literature in individuals affected with AGBL5-related conditions. ClinVar contains an entry for this variant (Variation ID: 1434205).

NM_021831.6(AGBL5):c.2450G>A (p.Ser817Asn)

Gene: AGBL5 (AGBL carboxypeptidase 5; plus strand). Cytogenetic location: 2p23.3.
Variant type: single nucleotide variant.
Coding change: c.2450G>A on transcript NM_021831.6 (MANE Select); coding-DNA position 2450, G replaced by A.
Protein change: p.Ser817Asn; replaces serine 817 with asparagine.
Molecular consequence: missense variant. On other transcripts: non-coding transcript variant (2).
Genome position (GRCh38, 1-based): chr2:27,069,667, G>A. VCF-style: chr2-27069667-G-A. GRCh37 (hg19) VCF-style: chr2-27292535-G-A.
Other names: c.2450G>A (NM_021831.5); short protein forms S817N.
Identifiers: ClinVar variation 1434205 (VCV001434205.7), dbSNP rs748444804, ClinGen allele CA1568260.